The following is an entry in ClinVar:

NM_001134363.3(RBM20):c.2188G>A (p.Gly730Arg)

Gene: RBM20 (RNA binding motif protein 20; plus strand). Cytogenetic location: 10q25.2.
Variant type: single nucleotide variant.
Coding change: c.2188G>A on transcript NM_001134363.3 (MANE Select); coding-DNA position 2188, G replaced by A.
Protein change: p.Gly730Arg; replaces glycine 730 with arginine.
Molecular consequence: missense variant.
Genome position (GRCh38, 1-based): chr10:110,812,585, G>A. VCF-style: chr10-110812585-G-A. GRCh37 (hg19) VCF-style: chr10-112572343-G-A.
Other names: short protein forms G730R.
Identifiers: ClinVar variation 2775487 (VCV002775487.3), dbSNP rs1844785438, ClinGen allele CA378372472.

ClinVar aggregate classification (germline): Uncertain significance (1 of 4 stars; one submission).

Conditions:
Dilated cardiomyopathy 1DD (CMD1DD). Identifiers: Orphanet 154, MedGen C2750995, MONDO:0013168, OMIM 613172.

Allele frequency attached by ClinVar (database versions not stated): TOPMed below 0.00001.

Submission:

Labcorp Genetics (formerly Invitae), Labcorp
Classification: Uncertain significance for Dilated cardiomyopathy 1DD. Last evaluated: 2022-12-24. Review status: criteria provided, single submitter. Criteria: Invitae Variant Classification Sherloc (09022015). Collection method: clinical testing. Allele origin: germline.
Comment: This sequence change replaces glycine, which is neutral and non-polar, with arginine, which is basic and polar, at codon 730 of the RBM20 protein (p.Gly730Arg). This variant is not present in population databases (gnomAD no frequency). This variant has not been reported in the literature in individuals affected with RBM20-related conditions. Advanced modeling of protein sequence and biophysical properties (such as structural, functional, and spatial information, amino acid conservation, physicochemical variation, residue mobility, and thermodynamic stability) performed at Invitae indicates that this missense variant is not expected to disrupt RBM20 protein function. In summary, the available evidence is currently insufficient to determine the role of this variant in disease. Therefore, it has been classified as a Variant of Uncertain Significance.